The following is an entry in ClinVar:

NM_013275.6(ANKRD11):c.7482dup (p.Pro2495fs)

Gene: ANKRD11 (ankyrin repeat domain containing 11; minus strand). Cytogenetic location: 16q24.3.
Variant type: Duplication.
Coding change: c.7482dup on transcript NM_013275.6 (MANE Select); coding-DNA position 7482, one base duplicated (T; older notation c.7482dupT).
Protein change: p.Pro2495fs; shifts the reading frame from proline 2495.
Molecular consequence: frameshift variant.
Genome position (GRCh38, 1-based): chr16:89,275,180, A duplicated on the plus strand (T on the coding strand, the reverse complement: ANKRD11 is on the minus strand). VCF-style (leftmost placement, unchanged base first): chr16-89275179-G-GA. GRCh37 (hg19) VCF-style: chr16-89341587-G-GA.
Other names: c.7482dup, p.Pro2495fs (NM_001256182.2, NM_001256183.2); short protein forms P2495fs.
Identifiers: ClinVar variation 3866380 (VCV003866380.1).

ClinVar aggregate classification (germline): Pathogenic (1 of 4 stars; one submission).

Conditions:
Inborn genetic diseases. Identifiers: MedGen C0950123, MeSH D030342.

Submission:

Ambry Genetics
Classification: Pathogenic for Inborn genetic diseases. Last evaluated: 2025-01-22. Review status: criteria provided, single submitter. Criteria: Ambry Variant Classification Scheme 2023. Collection method: clinical testing. Allele origin: germline.
Comment: The c.7482dupT (p.P2495Sfs*37) alteration, located in exon 10 (coding exon 8) of the ANKRD11 gene, consists of a duplication of T at position 7482, causing a translational frameshift with a predicted alternate stop codon after 37 amino acids. This alteration is expected to result in loss of function by premature protein truncation or nonsense-mediated mRNA decay. This variant was not reported in population-based cohorts in the Genome Aggregation Database (gnomAD). Other variant(s) resulting in the same translational frameshift, c.7481dupC (p.P2495Sfs*37), have been identified in individual(s) with features consistent with KBG syndrome (Ockeloen, 2015). Based on the available evidence, this alteration is classified as pathogenic.

Literature cited by the submitters: PubMed 25424714.